The following is an entry in ClinVar:

NM_021964.3(ZNF148):c.248A>T (p.His83Leu)

Gene: ZNF148 (zinc finger protein 148; minus strand). Cytogenetic location: 3q21.2.
Variant type: single nucleotide variant.
Coding change: c.248A>T on transcript NM_021964.3 (MANE Select); coding-DNA position 248, A replaced by T.
Protein change: p.His83Leu; replaces histidine 83 with leucine.
Molecular consequence: missense variant.
Genome position (GRCh38, 1-based): chr3:125,313,393, T>A on the plus strand (A>T on the coding strand, the complement: ZNF148 is on the minus strand). VCF-style: chr3-125313393-T-A. GRCh37 (hg19) VCF-style: chr3-125032237-T-A.
Other names: c.248A>T, p.His83Leu (NM_001348424.1, NM_001348425.2, NM_001348426.2 and 9 more transcripts); short protein forms H83L.
Identifiers: ClinVar variation 2175560 (VCV002175560.4), dbSNP rs1376867217, ClinGen allele CA354363216.
Genomic context (GRCh38, chr3:125,313,393, plus strand): 5'-CCTTGAGGAAGTCTTTCATGTGTTTCCATCTGCTCTTCATCATTTTTCACTGTCTCCTCA[T>A]GGACCATGAGTTCATCATGTGATATCATATCCTGTTGTCTCATTTCACTTTCTTGTAACA-3'
Protein context (NP_068799.2, residues 73-93): DMISHDELMV[His83Leu]EETVKNDEEQ

ClinVar aggregate classification (germline): Uncertain significance (1 of 4 stars; one submission).

Allele frequency attached by ClinVar (database versions not stated): gnomAD exomes below 0.00001; gnomAD 0.00001; TOPMed 0.00001.
gnomAD v4.1: 4 of 1,614,086 alleles (0.00025%); highest among the groups gnomAD compares: Non-Finnish European, 0.00034%; no homozygotes.

Submission:

Labcorp Genetics (formerly Invitae), Labcorp
Classification: Uncertain significance. Last evaluated: 2022-07-25. Review status: criteria provided, single submitter. Criteria: Invitae Variant Classification Sherloc (09022015). Collection method: clinical testing. Allele origin: germline.
Comment: In summary, the available evidence is currently insufficient to determine the role of this variant in disease. Therefore, it has been classified as a Variant of Uncertain Significance. Algorithms developed to predict the effect of missense changes on protein structure and function are either unavailable or do not agree on the potential impact of this missense change (SIFT: "Deleterious"; PolyPhen-2: "Benign"; Align-GVGD: "Class C0"). This variant has not been reported in the literature in individuals affected with ZNF148-related conditions. This variant is present in population databases (no rsID available, gnomAD 0.002%). This sequence change replaces histidine, which is basic and polar, with leucine, which is neutral and non-polar, at codon 83 of the ZNF148 protein (p.His83Leu).